The following is an entry in ClinVar:

NM_213599.3(ANO5):c.2741A>C (p.Ter914Ser)

Gene: ANO5 (anoctamin 5; plus strand). Cytogenetic location: 11p14.3.
Variant type: single nucleotide variant.
Coding change: c.2741A>C on transcript NM_213599.3 (MANE Select); coding-DNA position 2741, A replaced by C.
Protein change: p.Ter914Ser.
Molecular consequence: stop lost.
Genome position (GRCh38, 1-based): chr11:22,279,764, A>C. VCF-style: chr11-22279764-A-C. GRCh37 (hg19) VCF-style: chr11-22301310-A-C.
Other names: c.2738A>C, p.Ter913Ser (NM_001142649.2); c.2699A>C, p.Ter900Ser (NM_001410963.1); c.2696A>C, p.Ter899Ser (NM_001410964.1).
Identifiers: ClinVar variation 2922568 (VCV002922568.4), dbSNP rs187595147, ClinGen allele CA379925592.

ClinVar aggregate classification (germline): Uncertain significance. Review status: criteria provided, multiple submitters, no conflicts (2 of 4 stars). 2 submissions from 2 submitters: Uncertain significance (2). Last evaluated 2024-01-06.

Conditions:
Autosomal recessive limb-girdle muscular dystrophy type 2L (LGMDR12). Also called: Limb-Girdle Muscular Dystrophy R12 Anoctamin-5-Related (LGMD-R12); MUSCULAR DYSTROPHY, LIMB-GIRDLE, AUTOSOMAL RECESSIVE 12; Limb-girdle muscular dystrophy, type 2L. Identifiers: Orphanet 206549, MedGen C1969785, MONDO:0012652, OMIM 611307.
Gnathodiaphyseal dysplasia (GDD). Also called: GNATHODIAPHYSEAL SCLEROSIS; OSTEOGENESIS IMPERFECTA WITH UNUSUAL SKELETAL LESIONS. Identifiers: Orphanet 53697, MedGen C1833736, MONDO:0008151, OMIM 166260.

gnomAD v4.1: 4 of 1,610,680 alleles (0.00025%); highest among the groups gnomAD compares: Non-Finnish European, 0.00034%; no homozygotes.

Submissions (2):

Labcorp Genetics (formerly Invitae), Labcorp
Classification: Uncertain significance for Autosomal recessive limb-girdle muscular dystrophy type 2L; Gnathodiaphyseal dysplasia. Last evaluated: 2024-01-06. Review status: criteria provided, single submitter. Criteria: Invitae Variant Classification Sherloc (09022015). Collection method: clinical testing. Allele origin: germline.
Comment: This sequence change disrupts the translational stop signal of the ANO5 mRNA. It is expected to extend the length of the ANO5 protein by 3 additional amino acid residues. This variant is not present in population databases (gnomAD no frequency). This variant has not been reported in the literature in individuals affected with ANO5-related conditions. Algorithms developed to predict the effect of sequence changes on RNA splicing suggest that this variant may create or strengthen a splice site. In summary, the available evidence is currently insufficient to determine the role of this variant in disease. Therefore, it has been classified as a Variant of Uncertain Significance.

Revvity Omics, Revvity
Classification: Uncertain significance. Last evaluated: 2023-09-04. Review status: criteria provided, single submitter. Criteria: ACMG Guidelines, 2015. Collection method: clinical testing. Allele origin: germline.